The following is an entry in ClinVar:

NM_030962.4(SBF2):c.769A>G (p.Ile257Val)

Gene: SBF2 (SET binding factor 2; minus strand). Cytogenetic location: 11p15.4.
Variant type: single nucleotide variant.
Coding change: c.769A>G on transcript NM_030962.4 (MANE Select); coding-DNA position 769, A replaced by G.
Protein change: p.Ile257Val; replaces isoleucine 257 with valine.
Molecular consequence: missense variant.
Genome position (GRCh38, 1-based): chr11:10,001,006, T>C on the plus strand (A>G on the coding strand, the complement: SBF2 is on the minus strand). VCF-style: chr11-10001006-T-C. GRCh37 (hg19) VCF-style: chr11-10022553-T-C.
Other names: c.769A>G, p.Ile257Val (NM_001386339.1, NM_001386342.1); short protein forms I257V.
Identifiers: ClinVar variation 543318 (VCV000543318.10), dbSNP rs756866661, ClinGen allele CA5882011.
Genomic context (GRCh38, chr11:10,001,006, plus strand): 5'-GTACTCCAATAATGAAAGGCGTTGGGGAACTTAGAACTTCCAGTAGCTGAGCCGGGAGAA[T>C]AGGGATATAAGGATAACTGGAAATAATAAAAATATGCGTCAAATATATTTTTCTTTAACA-3'
Protein context (NP_112224.1, residues 247-267): PLKYSYPYIP[Ile257Val]LPAQLLEVLS

ClinVar aggregate classification (germline): Uncertain significance. Review status: criteria provided, multiple submitters, no conflicts (2 of 4 stars). 2 submissions from 2 submitters: Uncertain significance (2). Last evaluated 2025-04-12.

Conditions:
Inborn genetic diseases. Identifiers: MedGen C0950123, MeSH D030342.
Charcot-Marie-Tooth disease type 4. Also called: Charcot-Marie-Tooth, Type 4; Charcot-Marie-Tooth disease, type IV. Identifiers: Orphanet 64749, MedGen C4082197, MONDO:0018995.

Allele frequency attached by ClinVar (database versions not stated): TOPMed 0.00001; ExAC 0.00001; gnomAD exomes 0.00001.

Submissions (2):

Ambry Genetics
Classification: Uncertain significance for Inborn genetic diseases. Last evaluated: 2025-04-12. Review status: criteria provided, single submitter. Criteria: Ambry Variant Classification Scheme 2023. Collection method: clinical testing. Allele origin: germline.

Labcorp Genetics (formerly Invitae), Labcorp
Classification: Uncertain significance for Charcot-Marie-Tooth disease type 4. Last evaluated: 2022-02-03. Review status: criteria provided, single submitter. Criteria: Invitae Variant Classification Sherloc (09022015). Collection method: clinical testing. Allele origin: germline.
Comment: In summary, the available evidence is currently insufficient to determine the role of this variant in disease. Therefore, it has been classified as a Variant of Uncertain Significance. Algorithms developed to predict the effect of missense changes on protein structure and function (SIFT, PolyPhen-2, Align-GVGD) all suggest that this variant is likely to be tolerated. ClinVar contains an entry for this variant (Variation ID: 543318). This variant has not been reported in the literature in individuals affected with SBF2-related conditions. This variant is present in population databases (rs756866661, gnomAD 0.003%). This sequence change replaces isoleucine, which is neutral and non-polar, with valine, which is neutral and non-polar, at codon 257 of the SBF2 protein (p.Ile257Val).